The following is an entry in ClinVar:

NM_004370.6(COL12A1):c.299T>C (p.Val100Ala)

Gene: COL12A1 (collagen type XII alpha 1 chain; minus strand). Cytogenetic location: 6q13.
Variant type: single nucleotide variant.
Coding change: c.299T>C on transcript NM_004370.6 (MANE Select); coding-DNA position 299, T replaced by C.
Protein change: p.Val100Ala; replaces valine 100 with alanine.
Molecular consequence: missense variant. On other transcripts: intron variant (1).
Genome position (GRCh38, 1-based): chr6:75,192,247, A>G on the plus strand (T>C on the coding strand, the complement: COL12A1 is on the minus strand). VCF-style: chr6-75192247-A-G. GRCh37 (hg19) VCF-style: chr6-75901963-A-G.
Other names: c.73+10473T>C (NM_080645.3); short protein forms V100A.
Identifiers: ClinVar variation 2125669 (VCV002125669.4), dbSNP rs2149479070, ClinGen allele CA364730851.

ClinVar aggregate classification (germline): Uncertain significance (1 of 4 stars; one submission).

Conditions:
Ullrich congenital muscular dystrophy 2 (UCMD2). Identifiers: Orphanet 75840, MedGen C4225314, MONDO:0014654, OMIM 616470.
Bethlem myopathy 2 (BTHLM2). Identifiers: Orphanet 536516, Orphanet 610, MedGen C4225313, MONDO:0034022, OMIM 616471.

Allele frequency attached by ClinVar (database versions not stated): gnomAD exomes below 0.00001.
gnomAD v4.1: 5 of 1,607,890 alleles (0.00031%); highest among the groups gnomAD compares: Non-Finnish European, 0.00043%; no homozygotes.

Submission:

Labcorp Genetics (formerly Invitae), Labcorp
Classification: Uncertain significance for Bethlem myopathy 2; Ullrich congenital muscular dystrophy 2. Last evaluated: 2022-08-24. Review status: criteria provided, single submitter. Criteria: Invitae Variant Classification Sherloc (09022015). Collection method: clinical testing. Allele origin: germline.
Comment: This sequence change replaces valine, which is neutral and non-polar, with alanine, which is neutral and non-polar, at codon 100 of the COL12A1 protein (p.Val100Ala). This variant is not present in population databases (gnomAD no frequency). This variant has not been reported in the literature in individuals affected with COL12A1-related conditions. Algorithms developed to predict the effect of missense changes on protein structure and function are either unavailable or do not agree on the potential impact of this missense change (SIFT: "Deleterious"; PolyPhen-2: "Benign"; Align-GVGD: "Class C0"). In summary, the available evidence is currently insufficient to determine the role of this variant in disease. Therefore, it has been classified as a Variant of Uncertain Significance.